The following is an entry in ClinVar:

NM_201384.3(PLEC):c.9437C>A (p.Pro3146His)

Gene: PLEC (plectin; minus strand). Cytogenetic location: 8q24.3.
Variant type: single nucleotide variant.
Coding change: c.9437C>A on transcript NM_201384.3 (MANE Select); coding-DNA position 9437, C replaced by A.
Protein change: p.Pro3146His; replaces proline 3146 with histidine.
Molecular consequence: missense variant.
Genome position (GRCh38, 1-based): chr8:143,920,384, G>T on the plus strand (C>A on the coding strand, the complement: PLEC is on the minus strand). VCF-style: chr8-143920384-G-T. GRCh37 (hg19) VCF-style: chr8-144994552-G-T.
Other names: c.9848C>A, p.Pro3283His (NM_201380.4); c.9341C>A, p.Pro3114His (NM_201381.3); c.9437C>A, p.Pro3146His (NM_201382.4); c.9449C>A, p.Pro3150His (NM_201383.3); c.9518C>A, p.Pro3173His (NM_000445.5); c.6137C>A, p.Pro2046His (NM_001410941.1); c.9395C>A, p.Pro3132His (NM_201378.4); c.9371C>A, p.Pro3124His (NM_201379.3); short protein forms P3132H, P3146H, P2046H, P3124H, P3173H, P3114H, P3150H, P3283H.
Identifiers: ClinVar variation 1965761 (VCV001965761.6), dbSNP rs782431012, ClinGen allele CA4924969.

ClinVar aggregate classification (germline): Uncertain significance. Review status: criteria provided, multiple submitters, no conflicts (2 of 4 stars). 2 submissions from 2 submitters: Uncertain significance (2). Last evaluated 2022-08-30.

Conditions:
Epidermolysis bullosa simplex 5B, with muscular dystrophy (EBS5B). Also called: Epidermolysis bullosa simplex with muscular dystrophy; EPIDERMOLYSIS BULLOSA SIMPLEX AND LIMB-GIRDLE MUSCULAR DYSTROPHY. Identifiers: Orphanet 257, MedGen C2931072, MONDO:0009181, OMIM 226670.
Epidermolysis bullosa simplex, Ogna type (EBS5A). Also called: Pidermolysis bullosa simplex 5A, Ogna type; EPIDERMOLYSIS BULLOSA SIMPLEX 5A, OGNA TYPE. Identifiers: Orphanet 79401, MedGen C0432317, MONDO:0007555, OMIM 131950.
Epidermolysis bullosa simplex with nail dystrophy (EBS5D). Identifiers: MedGen C4225309, MONDO:0014661, OMIM 616487.
Epidermolysis bullosa simplex 5C, with pyloric atresia (EBS5C). Also called: PLEC1-Related Epidermolysis Bullosa with Pyloric Atresia; PLEC-Related Epidermolysis Bullosa with Pyloric Atresia; Epidermolysis bullosa simplex with pyloric atresia. Identifiers: Orphanet 158684, MedGen C2677349, MONDO:0012807, OMIM 612138.
Autosomal recessive limb-girdle muscular dystrophy type 2Q (LGMDR17). Also called: MUSCULAR DYSTROPHY, LIMB-GIRDLE, AUTOSOMAL RECESSIVE 17. Identifiers: Orphanet 254361, MedGen C3150989, MONDO:0013390, OMIM 613723.
Inborn genetic diseases. Identifiers: MedGen C0950123, MeSH D030342.

Allele frequency attached by ClinVar (database versions not stated): ExAC 0.00001.
gnomAD v4.1: 2 of 1,592,322 alleles (0.00013%); highest among the groups gnomAD compares: Admixed American, 0.0034%; no homozygotes.

Submissions (2):

Ambry Genetics
Classification: Uncertain significance for Inborn genetic diseases. Last evaluated: 2022-08-30. Review status: criteria provided, single submitter. Criteria: Ambry Variant Classification Scheme 2023. Collection method: clinical testing. Allele origin: germline.

Labcorp Genetics (formerly Invitae), Labcorp
Classification: Uncertain significance for Autosomal recessive limb-girdle muscular dystrophy type 2Q; Epidermolysis bullosa simplex, Ogna type; Epidermolysis bullosa simplex with nail dystrophy; Epidermolysis bullosa simplex 5C, with pyloric atresia; Epidermolysis bullosa simplex 5B, with muscular dystrophy. Last evaluated: 2022-08-01. Review status: criteria provided, single submitter. Criteria: Invitae Variant Classification Sherloc (09022015). Collection method: clinical testing. Allele origin: germline.
Comment: The frequency data for this variant in the population databases is considered unreliable, as metrics indicate poor data quality at this position in the gnomAD database. This sequence change replaces proline, which is neutral and non-polar, with histidine, which is basic and polar, at codon 3173 of the PLEC protein (p.Pro3173His). This variant has not been reported in the literature in individuals affected with PLEC-related conditions. In summary, the available evidence is currently insufficient to determine the role of this variant in disease. Therefore, it has been classified as a Variant of Uncertain Significance. Algorithms developed to predict the effect of missense changes on protein structure and function are either unavailable or do not agree on the potential impact of this missense change (SIFT: "Deleterious"; PolyPhen-2: "Probably Damaging"; Align-GVGD: "Class C0").